The following is an entry in ClinVar:

ClinVar aggregate classification (germline): Uncertain significance (1 of 4 stars; one submission).

Conditions:
Cryptosporidiosis-chronic cholangitis-liver disease syndrome. Also called: Immunodeficiency type 56; IL21R immunodeficiency. Identifiers: Orphanet 357329, MedGen C3554687, MONDO:0014082, OMIM 615207.

Allele frequency attached by ClinVar (database versions not stated): gnomAD exomes below 0.00001.

Submission:

Labcorp Genetics (formerly Invitae), Labcorp
Classification: Uncertain significance for Cryptosporidiosis-chronic cholangitis-liver disease syndrome. Last evaluated: 2020-03-04. Review status: criteria provided, single submitter. Criteria: Invitae Variant Classification Sherloc (09022015). Collection method: clinical testing. Allele origin: germline.
Comment: Algorithms developed to predict the effect of missense changes on protein structure and function (SIFT, PolyPhen-2, Align-GVGD) all suggest that this variant is likely to be tolerated, but these predictions have not been confirmed by published functional studies and their clinical significance is uncertain. This sequence change replaces proline with serine at codon 451 of the IL21R protein (p.Pro451Ser). The proline residue is weakly conserved and there is a moderate physicochemical difference between proline and serine. This variant is not present in population databases (ExAC no frequency). This variant has not been reported in the literature in individuals with IL21R-related conditions. In summary, the available evidence is currently insufficient to determine the role of this variant in disease. Therefore, it has been classified as a Variant of Uncertain Significance.

NM_181078.3(IL21R):c.1351C>T (p.Pro451Ser)

Genes: IL21R (interleukin 21 receptor; plus strand), IL21R-AS1 (IL21R antisense RNA 1; minus strand), LOC130058713 (ATAC-STARR-seq lymphoblastoid active region 10627; plus strand). Cytogenetic location: 16p12.1.
Variant type: single nucleotide variant.
Coding change: c.1351C>T on transcript NM_181078.3 (MANE Select); coding-DNA position 1351, C replaced by T.
Protein change: p.Pro451Ser; replaces proline 451 with serine.
Molecular consequence: missense variant. On other transcripts: non-coding transcript variant (1).
Genome position (GRCh38, 1-based): chr16:27,449,017, C>T. VCF-style: chr16-27449017-C-T. GRCh37 (hg19) VCF-style: chr16-27460338-C-T.
Other names: c.1351C>T, p.Pro451Ser (NM_021798.4); c.1417C>T, p.Pro473Ser (NM_181079.5); short protein forms P451S, P473S.
Identifiers: ClinVar variation 1045085 (VCV001045085.9), dbSNP rs757335123, ClinGen allele CA395308481.